The following is an entry in ClinVar:

NM_001145418.2(TTC28):c.5672G>A (p.Arg1891Gln)

Genes: TTC28 (tetratricopeptide repeat domain 28; minus strand), TTC28-AS1 (TTC28 antisense RNA 1; plus strand). Cytogenetic location: 22q12.1.
Variant type: single nucleotide variant.
Coding change: c.5672G>A on transcript NM_001145418.2 (MANE Select); coding-DNA position 5672, G replaced by A.
Protein change: p.Arg1891Gln; replaces arginine 1891 with glutamine.
Molecular consequence: missense variant.
Genome position (GRCh38, 1-based): chr22:27,989,913, C>T on the plus strand (G>A on the coding strand, the complement: TTC28 is on the minus strand). VCF-style: chr22-27989913-C-T. GRCh37 (hg19) VCF-style: chr22-28385901-C-T.
Other names: c.5648G>A, p.Arg1883Gln (NM_001393403.1); c.5318G>A, p.Arg1773Gln (NM_001393404.1); c.5294G>A, p.Arg1765Gln (NM_001393405.1); short protein forms R1765Q, R1773Q, R1883Q, R1891Q.
Identifiers: ClinVar variation 4866160 (VCV004866160.1).

ClinVar aggregate classification (germline): Uncertain significance (1 of 4 stars; one submission).

gnomAD v4.1: 25 of 1,551,304 alleles (0.0016%); highest among the groups gnomAD compares: Admixed American, 0.0039%; no homozygotes.

Submission:

Ambry Genetics
Classification: Uncertain significance. Last evaluated: 2026-05-11. Review status: criteria provided, single submitter. Criteria: Ambry Variant Classification Scheme 2023. Collection method: clinical testing. Allele origin: germline.
Comment: The c.5672G>A (p.R1891Q) alteration is located in exon 21 (coding exon 21) of the TTC28 gene. This alteration results from a G to A substitution at nucleotide position 5672, causing the arginine (R) at amino acid position 1891 to be replaced by a glutamine (Q). Based on data from gnomAD, the A allele has an overall frequency of 0.001% (2/187846) total alleles studied. The highest observed frequency was 0.004% (1/25518) of Latino alleles. Based on insufficient or conflicting evidence, the clinical significance of this alteration remains unclear.